The following is an entry in ClinVar:

ClinVar aggregate classification (germline): Uncertain significance (1 of 4 stars; one submission).

Conditions:
Hereditary cancer-predisposing syndrome. Also called: Neoplastic Syndromes, Hereditary; Tumor predisposition; Hereditary Cancer Syndrome; Hereditary neoplastic syndrome. Identifiers: Orphanet 140162, MedGen C0027672, MeSH D009386, MONDO:0015356.
Cardiovascular phenotype. Identifiers: MedGen CN230736.

Submission:

Ambry Genetics
Classification: Uncertain significance for Cardiovascular phenotype; Hereditary cancer-predisposing syndrome. Last evaluated: 2021-04-01. Review status: criteria provided, single submitter. Criteria: Ambry Variant Classification Scheme 2023. Collection method: clinical testing. Allele origin: germline.
Comment: The p.M968T variant (also known as c.2903T>C), located in coding exon 22 of the NF1 gene, results from a T to C substitution at nucleotide position 2903. The methionine at codon 968 is replaced by threonine, an amino acid with similar properties. This amino acid position is highly conserved in available vertebrate species. In addition, this alteration is predicted to be deleterious by in silico analysis. Since supporting evidence is limited at this time, the clinical significance of this alteration remains unclear.

NM_001042492.3(NF1):c.2903T>C (p.Met968Thr)

Gene: NF1 (neurofibromin 1; plus strand). Cytogenetic location: 17q11.2.
Variant type: single nucleotide variant.
Coding change: c.2903T>C on transcript NM_001042492.3 (MANE Select); coding-DNA position 2903, T replaced by C.
Protein change: p.Met968Thr; replaces methionine 968 with threonine.
Molecular consequence: missense variant.
Genome position (GRCh38, 1-based): chr17:31,229,887, T>C. VCF-style: chr17-31229887-T-C. GRCh37 (hg19) VCF-style: chr17-29556905-T-C.
Other names: c.2903T>C, p.Met968Thr (NM_000267.4); short protein forms M968T.
Identifiers: ClinVar variation 1797483 (VCV001797483.2), dbSNP rs199474749, ClinGen allele CA398986134.